The following is an entry in ClinVar:

NM_001563.4(IMPG1):c.1741G>A (p.Val581Ile)

Gene: IMPG1 (interphotoreceptor matrix proteoglycan 1; minus strand). Cytogenetic location: 6q14.1.
Variant type: single nucleotide variant.
Coding change: c.1741G>A on transcript NM_001563.4 (MANE Select); coding-DNA position 1741, G replaced by A.
Protein change: p.Val581Ile; replaces valine 581 with isoleucine.
Molecular consequence: missense variant.
Genome position (GRCh38, 1-based): chr6:75,950,645, C>T on the plus strand (G>A on the coding strand, the complement: IMPG1 is on the minus strand). VCF-style: chr6-75950645-C-T. GRCh37 (hg19) VCF-style: chr6-76660362-C-T.
Other names: c.1507G>A, p.Val503Ile (NM_001282368.2); short protein forms V503I, V581I.
Identifiers: ClinVar variation 1017497 (VCV001017497.8), dbSNP rs1364149417, ClinGen allele CA364776930.

ClinVar aggregate classification (germline): Uncertain significance (1 of 4 stars; one submission).

Allele frequency attached by ClinVar (database versions not stated): TOPMed below 0.00001; gnomAD 0.00001.
gnomAD v4.1: 1 of 1,613,904 alleles (0.000062%); highest among the groups gnomAD compares: African/African-American, 0.0013%; no homozygotes.

Submission:

Labcorp Genetics (formerly Invitae), Labcorp
Classification: Uncertain significance. Last evaluated: 2020-06-08. Review status: criteria provided, single submitter. Criteria: Invitae Variant Classification Sherloc (09022015). Collection method: clinical testing. Allele origin: germline.
Comment: In summary, the available evidence is currently insufficient to determine the role of this variant in disease. Therefore, it has been classified as a Variant of Uncertain Significance. Algorithms developed to predict the effect of missense changes on protein structure and function (SIFT, PolyPhen-2, Align-GVGD) all suggest that this variant is likely to be disruptive, but these predictions have not been confirmed by published functional studies and their clinical significance is uncertain. This sequence change replaces valine with isoleucine at codon 581 of the IMPG1 protein (p.Val581Ile). The valine residue is highly conserved and there is a small physicochemical difference between valine and isoleucine. This variant is not present in population databases (ExAC no frequency). This variant has not been reported in the literature in individuals with IMPG1-related conditions.